The following is an entry in ClinVar:

ClinVar aggregate classification (germline): Pathogenic/Likely pathogenic. Review status: criteria provided, multiple submitters, no conflicts (2 of 4 stars). 5 submissions from 5 submitters: Pathogenic (2); Likely pathogenic (2). 1 of the submissions does not count toward it. Last evaluated 2026-03-14.

Conditions:
ARL6-related disorder. Also called: ARL6-related condition.
Bardet-Biedl syndrome 3 (BBS3). Identifiers: Orphanet 110, MedGen C1859564, MONDO:0010832, OMIM 600151.
Retinitis pigmentosa 55 (RP55). Identifiers: Orphanet 791, MedGen C3150808, MONDO:0013312, OMIM 613575.
Bardet-Biedl syndrome 1 (BBS1). Identifiers: MedGen C2936862, MONDO:0008854, OMIM 209900. Disease mechanism: loss of function.
Retinitis pigmentosa (RP). Identifiers: Orphanet 791, MedGen C0035334, MeSH D012174, MONDO:0019200, OMIM 268000. Inheritance: Autosomal dominant, autosomal recessive and X linked inheritance.

Allele frequency attached by ClinVar (database versions not stated): TOPMed 0.00001; gnomAD 0.00002; gnomAD exomes 0.00002 and 0.00003; ExAC 0.00003.

Submissions (5):

PreventionGenetics, part of Exact Sciences
Classification: Likely pathogenic for ARL6-related condition. Last evaluated: 2026-03-14. Review status: criteria provided, single submitter. Criteria: ACMG Guidelines, 2015. Collection method: clinical testing. Allele origin: germline.
Comment: The ARL6 c.281T>C variant is predicted to result in the amino acid substitution p.Ile94Thr. This variant has been reported in the homozygous state in patients with Bardet-Biedl syndrome or inherited retinal disease (Khan et al. 2013. PubMed ID: 23219996; Table S4, Kim et al. 2021. PubMed ID: 33946315; Table S1,Lin et al. 2024. PubMed ID: 38219857). This variant is reported in 0.013% of alleles in individuals of South Asian descent in gnomAD. This variant is interpreted as likely pathogenic.

Fulgent Genetics
Classification: Likely pathogenic for Bardet-Biedl syndrome 1; Bardet-Biedl syndrome 3; Retinitis pigmentosa 55. Last evaluated: 2024-06-15. Review status: criteria provided, single submitter. Criteria: ACMG Guidelines, 2015. Collection method: clinical testing. Allele origin: germline.

Labcorp Genetics (formerly Invitae), Labcorp
Classification: Pathogenic for Retinitis pigmentosa 55; Bardet-Biedl syndrome 3. Last evaluated: 2024-02-18. Review status: criteria provided, single submitter. Criteria: Invitae Variant Classification Sherloc (09022015). Collection method: clinical testing. Allele origin: germline.
Comment: This sequence change replaces isoleucine, which is neutral and non-polar, with threonine, which is neutral and polar, at codon 94 of the ARL6 protein (p.Ile94Thr). This variant is present in population databases (rs771054395, gnomAD 0.01%). This missense change has been observed in individuals with ARL6-related conditions (PMID: 23219996, 28041643, 33946315). It has also been observed to segregate with disease in related individuals. ClinVar contains an entry for this variant (Variation ID: 438186). An algorithm developed to predict the effect of missense changes on protein structure and function (PolyPhen-2) suggests that this variant is likely to be disruptive. For these reasons, this variant has been classified as Pathogenic.

Blueprint Genetics
Classification: Pathogenic for ARL6-related disorders. Last evaluated: 2023-11-21. Review status: criteria provided, single submitter. Criteria: ACMG Guidelines, 2015. Collection method: clinical testing. Allele origin: germline. Affected: yes. Observed: 3 variant alleles.

NIHR Bioresource Rare Diseases, University of Cambridge
Classification: Likely pathogenic for Retinitis pigmentosa. Last evaluated: 2015-01-01. Review status: no assertion criteria provided. Collection method: research. Allele origin: unknown. Affected: yes. Observed: 1 variant allele. Not counted in ClinVar's aggregate classification.

Literature cited by the submitters: PubMed 23219996 (cited by Labcorp Genetics (formerly Invitae), Labcorp and NIHR Bioresource Rare Diseases, University of Cambridge); PubMed 28041643 (cited by Labcorp Genetics (formerly Invitae), Labcorp and NIHR Bioresource Rare Diseases, University of Cambridge); PubMed 33946315 (cited by Labcorp Genetics (formerly Invitae), Labcorp).

NM_001278293.3(ARL6):c.281T>C (p.Ile94Thr)

Gene: ARL6 (ARF like GTPase 6; plus strand). Cytogenetic location: 3q11.2.
Variant type: single nucleotide variant.
Coding change: c.281T>C on transcript NM_001278293.3 (MANE Select); coding-DNA position 281, T replaced by C.
Protein change: p.Ile94Thr; replaces isoleucine 94 with threonine.
Molecular consequence: missense variant. On other transcripts: non-coding transcript variant (7).
Genome position (GRCh38, 1-based): chr3:97,784,981, T>C. VCF-style: chr3-97784981-T-C. GRCh37 (hg19) VCF-style: chr3-97503825-T-C.
Other names: c.281T>C, p.Ile94Thr (NM_001323513.2, NM_001323514.2, NM_032146.5 and 1 more transcripts); short protein forms I94T.
Identifiers: ClinVar variation 438186 (VCV000438186.11), dbSNP rs771054395, ClinGen allele CA2505920.
Genomic context (GRCh38, chr3:97,784,981, plus strand): 5'-AGCTTTAATTTTTCTTTTTCTTTACATTACACAGAGAAGGCCAAGCTATTATTTTTGTCA[T>C]TGATAGTAGTGATAGATTAAGAATGGTTGTGGCCAAAGAAGAACTCGATACTCTTCTGAA-3'
Protein context (NP_001265222.1, residues 84-104): YKEGQAIIFV[Ile94Thr]DSSDRLRMVV